The following is an entry in ClinVar:

NM_001999.4(FBN2):c.5665G>A (p.Ala1889Thr)

Gene: FBN2 (fibrillin 2; minus strand). Cytogenetic location: 5q23.3.
Variant type: single nucleotide variant.
Coding change: c.5665G>A on transcript NM_001999.4 (MANE Select); coding-DNA position 5665, G replaced by A.
Protein change: p.Ala1889Thr; replaces alanine 1889 with threonine.
Molecular consequence: missense variant.
Genome position (GRCh38, 1-based): chr5:128,305,520, C>T on the plus strand (G>A on the coding strand, the complement: FBN2 is on the minus strand). VCF-style: chr5-128305520-C-T. GRCh37 (hg19) VCF-style: chr5-127641212-C-T.
Other names: short protein forms A1889T.
Identifiers: ClinVar variation 4825914 (VCV004825914.1).

ClinVar aggregate classification (germline): Uncertain significance (1 of 4 stars; one submission).

Conditions:
Familial thoracic aortic aneurysm and aortic dissection (TAAD). Also called: Thoracic aortic aneurysms and dissections. Identifiers: Orphanet 91387, MedGen C4707243, MONDO:0019625.

Submission:

Ambry Genetics
Classification: Uncertain significance for Familial thoracic aortic aneurysm and aortic dissection. Last evaluated: 2026-03-12. Review status: criteria provided, single submitter. Criteria: Ambry Variant Classification Scheme 2023. Collection method: clinical testing. Allele origin: germline.
Comment: The p.A1889T variant (also known as c.5665G>A), located in coding exon 44 of the FBN2 gene, results from a G to A substitution at nucleotide position 5665. The alanine at codon 1889 is replaced by threonine, an amino acid with similar properties. This amino acid position is conserved. In addition, the in silico prediction for this alteration is inconclusive. Based on the available evidence, the clinical significance of this variant remains unclear.